The following is an entry in ClinVar:

NM_000069.3(CACNA1S):c.3530A>T (p.Tyr1177Phe)

Gene: CACNA1S (calcium voltage-gated channel subunit alpha1 S; minus strand). Cytogenetic location: 1q32.1.
Variant type: single nucleotide variant.
Coding change: c.3530A>T on transcript NM_000069.3 (MANE Select); coding-DNA position 3530, A replaced by T.
Protein change: p.Tyr1177Phe; replaces tyrosine 1177 with phenylalanine.
Molecular consequence: missense variant.
Genome position (GRCh38, 1-based): chr1:201,058,487, T>A on the plus strand (A>T on the coding strand, the complement: CACNA1S is on the minus strand). VCF-style: chr1-201058487-T-A. GRCh37 (hg19) VCF-style: chr1-201027615-T-A.
Other names: p.Tyr1177Phe; short protein forms Y1177F.
Identifiers: ClinVar variation 573557 (VCV000573557.12), dbSNP rs774511818, ClinGen allele CA082611.

ClinVar aggregate classification (germline): Conflicting classifications of pathogenicity. Review status: criteria provided, conflicting classifications (1 of 4 stars). 3 submissions from 3 submitters: Uncertain significance (2); Likely benign (1). Last evaluated 2024-11-18.

Conditions:
Malignant hyperthermia, susceptibility to, 5 (MHS5). Also called: CACNA1S-Related Malignant Hyperthermia Susceptibility. Identifiers: Orphanet 423, MedGen C1866077, MONDO:0011163, OMIM 601887.
Hypokalemic periodic paralysis, type 1. Also called: HypoPP; Hypokalemic Periodic Paralysis Type 1 (AD). Identifiers: Orphanet 681, MedGen C3714580, MONDO:0042979, OMIM 170400.

Allele frequency attached by ClinVar (database versions not stated): ExAC 0.00002; gnomAD 0.00002; gnomAD exomes 0.00003; TOPMed 0.00003.
gnomAD v4.1: 19 of 1,613,082 alleles (0.0012%); highest among the groups gnomAD compares: Non-Finnish European, 0.0016%; no homozygotes.

Submissions (3):

Labcorp Genetics (formerly Invitae), Labcorp
Classification: Likely benign for Hypokalemic periodic paralysis, type 1; Malignant hyperthermia, susceptibility to, 5. Last evaluated: 2024-11-18. Review status: criteria provided, single submitter. Criteria: Invitae Variant Classification Sherloc (09022015). Collection method: clinical testing. Allele origin: germline.

Mayo Clinic Laboratories, Mayo Clinic
Classification: Uncertain significance. Last evaluated: 2024-06-03. Review status: criteria provided, single submitter. Criteria: ACMG Guidelines, 2015. Collection method: clinical testing. Allele origin: germline. Observed: 1 variant allele.
Comment: PP3, PM2

Color Diagnostics, LLC DBA Color Health
Classification: Uncertain significance for Malignant hyperthermia, susceptibility to, 5. Last evaluated: 2024-03-28. Review status: criteria provided, single submitter. Criteria: ACMG Guidelines, 2015. Collection method: clinical testing. Allele origin: germline.
Comment: This missense variant replaces tyrosine with phenylalanine at codon 1177 of the CACNA1S protein. Computational prediction suggests that this variant may have deleterious impact on protein structure and function (internally defined REVEL score threshold >= 0.7, PMID: 27666373). To our knowledge, functional studies have not been reported for this variant. This variant has not been reported in individuals affected with CACNA1S-related disorders in the literature. This variant has been identified in 7/251434 chromosomes in the general population by the Genome Aggregation Database (gnomAD). The available evidence is insufficient to determine the role of this variant in disease conclusively. Therefore, this variant is classified as a Variant of Uncertain Significance.

Literature cited by the submitters: PubMed 31127727 (cited by Mayo Clinic Laboratories, Mayo Clinic).